The following is an entry in ClinVar:

NM_000169.3(GLA):c.1261A>G (p.Met421Val)

Genes: GLA (galactosidase alpha; minus strand), RPL36A-HNRNPH2 (RPL36A-HNRNPH2 readthrough; plus strand). Cytogenetic location: Xq22.1.
Variant type: single nucleotide variant.
Coding change: c.1261A>G on transcript NM_000169.3 (MANE Select); coding-DNA position 1261, A replaced by G.
Protein change: p.Met421Val; replaces methionine 421 with valine.
Molecular consequence: missense variant. On other transcripts: non-coding transcript variant (3), intron variant (2).
Genome position (GRCh38, 1-based): chrX:101,397,838, T>C on the plus strand (A>G on the coding strand, the complement: GLA is on the minus strand). VCF-style: chrX-101397838-T-C. GRCh37 (hg19) VCF-style: chrX-100652826-T-C.
Other names: c.1384A>G, p.Met462Val (NM_001406747.1); c.300+2381T>C (NM_001199973.2); c.177+6016T>C (NM_001199974.2); short protein forms M421V, M462V.
Identifiers: ClinVar variation 515170 (VCV000515170.17), dbSNP rs144060196, ClinGen allele CA029880.

ClinVar aggregate classification (germline): Conflicting classifications of pathogenicity. Review status: criteria provided, conflicting classifications (1 of 4 stars). 6 submissions from 6 submitters: Uncertain significance (4); Likely benign (2). Last evaluated 2026-09-08.

Conditions:
Cardiovascular phenotype. Identifiers: MedGen CN230736.
Fabry disease. Also called: Fabry's disease; ALPHA-GALACTOSIDASE A DEFICIENCY; ANDERSON-FABRY DISEASE; CERAMIDE TRIHEXOSIDASE DEFICIENCY; GLA DEFICIENCY; Ceramide trihexosidosis. Identifiers: Orphanet 324, MedGen C0002986, MONDO:0010526, OMIM 301500, HP:0001071. Disease mechanism: loss of function, Fabry disease is due to inactivating mutations in the X-linked GLA gene resulting in deficiency of the enzyme Alpha Galactosidase-A..

Allele frequency attached by ClinVar (database versions not stated): gnomAD exomes below 0.00001 and 0.00001; ExAC 0.00001; gnomAD 0.00004; TOPMed 0.00005; ESP Exome Variant Server 0.00009.
gnomAD v4.1: 9 of 1,205,032 alleles (0.00075%); highest among the groups gnomAD compares: African/African-American, 0.016%; no homozygotes.

Submissions (6):

Genomenon, Inc
Classification: Uncertain significance for Fabry disease. Last evaluated: 2026-09-08. Review status: criteria provided, single submitter. Criteria: Genomenon Sequence Variant Interpretation Standards - Updated. Collection method: curation. Allele origin: germline. Affected: no.
Comment: GLA p.Met421Val (c.1261A>G) is a missense variant that changes the amino acid at codon 421 from Methionine to Valine. This variant has been reported in the published literature (PMID:32995357;27657681;31036492). It is absent or not present at a significant frequency in gnomAD. In silico models predict that this variant is not damaging. In conclusion, we classify GLA p.Met421Val (c.1261A>G) as a variant of uncertain significance.

Labcorp Genetics (formerly Invitae), Labcorp
Classification: Uncertain significance for Fabry disease. Last evaluated: 2025-10-21. Review status: criteria provided, single submitter. Criteria: Invitae Variant Classification Sherloc (09022015). Collection method: clinical testing. Allele origin: germline.
Comment: This sequence change replaces methionine, which is neutral and non-polar, with valine, which is neutral and non-polar, at codon 421 of the GLA protein (p.Met421Val). This variant is present in population databases (rs144060196, gnomAD 0.02%). This variant has not been reported in the literature in individuals affected with GLA-related conditions. ClinVar contains an entry for this variant (Variation ID: 515170). Invitae Evidence Modeling of protein sequence and biophysical properties (such as structural, functional, and spatial information, amino acid conservation, physicochemical variation, residue mobility, and thermodynamic stability) has been performed for this missense variant. However, the output from this modeling did not meet the statistical confidence thresholds required to predict the impact of this variant on GLA protein function. Experimental studies have shown that this missense change affects GLA function (PMID: 31036492). In summary, the available evidence is currently insufficient to determine the role of this variant in disease. Therefore, it has been classified as a Variant of Uncertain Significance.

All of Us Research Program, National Institutes of Health
Classification: Uncertain significance for Fabry disease. Last evaluated: 2024-09-17. Review status: criteria provided, single submitter. Criteria: ACMG Guidelines, 2015. Collection method: clinical testing. Allele origin: germline. Inheritance: X-linked inheritance. Observed: 5 variant alleles, 5 heterozygotes.
Comment: This missense variant replaces methionine with valine at codon 421 of the GLA protein. Computational prediction suggests that this variant may not impact protein structure and function (internally defined REVEL score threshold <= 0.5, PMID: 27666373). Functional studies support that this variant may not have a significant impact on GLA enzyme activity (PMID: 27657681, 31036492). This variant has not been reported in individuals affected with GLA-related disorders in the literature. This variant has been identified in 4/205422 chromosomes in the general population by the Genome Aggregation Database (gnomAD). The available evidence is insufficient to determine the role of this variant in disease conclusively. Therefore, this variant is classified as a Variant of Uncertain Significance.

This study involves interpretation of variants in research participants for the purpose of population health screening. Participant phenotype was not available at the time of variant classification. Additional details can be found in publication PMID: 35346344, PMCID: PMC8962531

Ambry Genetics
Classification: Uncertain significance for Cardiovascular phenotype. Last evaluated: 2023-06-09. Review status: criteria provided, single submitter. Criteria: Ambry Variant Classification Scheme 2023. Collection method: clinical testing. Allele origin: germline.
Comment: The p.M421V variant (also known as c.1261A>G), located in coding exon 7 of the GLA gene, results from an A to G substitution at nucleotide position 1261. The methionine at codon 421 is replaced by valine, an amino acid with highly similar properties. Based on data from gnomAD, the G allele has an overall frequency of 0.002% (4/205422) total alleles studied, with 2 hemizygotes observed. The highest observed frequency was 0.02% (4/19125) of African/African American alleles. In vitro studies suggest this variant may result in some reduction of enzyme activity (Benjamin ER et al. Genet Med, 2017 Apr;19:430-438; Oommen S et al. Mol Genet Metab, 2019 May;127:74-85). This amino acid position is not conserved on limited sequence alignment. In addition, this alteration is predicted to be tolerated by in silico analysis. Since supporting evidence is limited at this time, the clinical significance of this alteration remains unclear.

Genome-Nilou Lab
Classification: Likely benign for Fabry disease. Last evaluated: 2021-07-15. Review status: criteria provided, single submitter. Criteria: ACMG Guidelines, 2015. Collection method: clinical testing. Allele origin: germline. Affected: no.

GeneDx
Classification: Likely benign. Last evaluated: 2018-02-09. Review status: criteria provided, single submitter. Criteria: GeneDx Variant Classification (06012015). Collection method: clinical testing. Allele origin: germline. Affected: yes.
Comment: This variant is considered likely benign or benign based on one or more of the following criteria: it is a conservative change, it occurs at a poorly conserved position in the protein, it is predicted to be benign by multiple in silico algorithms, and/or has population frequency not consistent with disease.

Literature cited by the submitters: PubMed 32995357 (cited by Genomenon, Inc); PubMed 27657681 (cited by 3 submitters); PubMed 31036492 (cited by 4 submitters).